The following is an entry in ClinVar:

NM_012479.4(YWHAG):c.82A>G (p.Lys28Glu)

Gene: YWHAG (tyrosine 3-monooxygenase/tryptophan 5-monooxygenase activation protein gamma; minus strand). Cytogenetic location: 7q11.23.
Variant type: single nucleotide variant.
Coding change: c.82A>G on transcript NM_012479.4 (MANE Select); coding-DNA position 82, A replaced by G.
Protein change: p.Lys28Glu; replaces lysine 28 with glutamic acid.
Molecular consequence: missense variant.
Genome position (GRCh38, 1-based): chr7:76,358,727, T>C on the plus strand (A>G on the coding strand, the complement: YWHAG is on the minus strand). VCF-style: chr7-76358727-T-C. GRCh37 (hg19) VCF-style: chr7-75988044-T-C.
Other names: short protein forms K28E.
Identifiers: ClinVar variation 1709160 (VCV001709160.2), dbSNP rs2536207064, ClinGen allele CA367758167.

ClinVar aggregate classification (germline): Uncertain significance (1 of 4 stars; one submission).

Conditions:
Developmental and epileptic encephalopathy, 56. Also called: EPILEPTIC ENCEPHALOPATHY, EARLY INFANTILE, 56. Identifiers: MedGen C4540034, MONDO:0033365, OMIM 617665.

Submission:

MGZ Medical Genetics Center
Classification: Uncertain significance for Developmental and epileptic encephalopathy, 56. Last evaluated: 2022-03-17. Review status: criteria provided, single submitter. Criteria: ACMG Guidelines, 2015. Collection method: clinical testing. Allele origin: germline. Affected: yes. Observed: 1 variant allele.
Comment: ACMG criteria applied: PM2_SUP, PP2, BP4